The following is an entry in ClinVar:

ClinVar aggregate classification (germline): Uncertain significance (1 of 4 stars; one submission).

Conditions:
Leber congenital amaurosis 9 (LCA9). Also called: LCA9 Leber Congenital Amaurosis; LCA 9; Amaurosis congenita of Leber, type 9. Identifiers: Orphanet 65, MedGen C1837873, MONDO:0012056, OMIM 608553.

Submission:

Labcorp Genetics (formerly Invitae), Labcorp
Classification: Uncertain significance for Leber congenital amaurosis 9. Last evaluated: 2023-07-16. Review status: criteria provided, single submitter. Criteria: Invitae Variant Classification Sherloc (09022015). Collection method: clinical testing. Allele origin: germline.
Comment: In summary, the available evidence is currently insufficient to determine the role of this variant in disease. Therefore, it has been classified as a Variant of Uncertain Significance. Advanced modeling of protein sequence and biophysical properties (such as structural, functional, and spatial information, amino acid conservation, physicochemical variation, residue mobility, and thermodynamic stability) performed at Invitae indicates that this missense variant is expected to disrupt NMNAT1 protein function. This missense change has been observed in individual(s) with clinical features of cone rod dystrophy (Invitae). This variant is not present in population databases (gnomAD no frequency). This sequence change replaces aspartic acid, which is acidic and polar, with tyrosine, which is neutral and polar, at codon 242 of the NMNAT1 protein (p.Asp242Tyr).

NM_022787.4(NMNAT1):c.724G>T (p.Asp242Tyr)

Gene: NMNAT1 (nicotinamide nucleotide adenylyltransferase 1; plus strand). Cytogenetic location: 1p36.22.
Variant type: single nucleotide variant.
Coding change: c.724G>T on transcript NM_022787.4 (MANE Select); coding-DNA position 724, G replaced by T.
Protein change: p.Asp242Tyr; replaces aspartic acid 242 with tyrosine.
Molecular consequence: missense variant.
Genome position (GRCh38, 1-based): chr1:9,982,585, G>T. VCF-style: chr1-9982585-G-T. GRCh37 (hg19) VCF-style: chr1-10042643-G-T.
Other names: c.724G>T, p.Asp242Tyr (NM_001297778.1); short protein forms D242Y.
Identifiers: ClinVar variation 3015616 (VCV003015616.2), dbSNP rs2522304478, ClinGen allele CA338687219.